The following is an entry in ClinVar:

ClinVar aggregate classification (germline): Conflicting classifications of pathogenicity. Review status: criteria provided, conflicting classifications (1 of 4 stars). 4 submissions from 4 submitters: Uncertain significance (2); Likely benign (2). Last evaluated 2025-03-29.

Conditions:
Cardiovascular phenotype. Identifiers: MedGen CN230736.
Duchenne muscular dystrophy (DMD). Also called: MUSCULAR DYSTROPHY, PSEUDOHYPERTROPHIC PROGRESSIVE, DUCHENNE TYPE; Duchenne Muscular Dystrophy (DMD). Identifiers: Orphanet 98896, MedGen C0013264, MONDO:0010679, OMIM 310200.

Allele frequency attached by ClinVar (database versions not stated): gnomAD 0.00001 and 0.00002; gnomAD exomes 0.00001; ExAC 0.00002; TOPMed 0.00002.
gnomAD v4.1: 14 of 1,208,863 alleles (0.0012%); highest among the groups gnomAD compares: Non-Finnish European, 0.0016%; no homozygotes.

Submissions (4):

Labcorp Genetics (formerly Invitae), Labcorp
Classification: Likely benign for Duchenne muscular dystrophy. Last evaluated: 2025-03-29. Review status: criteria provided, single submitter. Criteria: Invitae Variant Classification Sherloc (09022015). Collection method: clinical testing. Allele origin: germline.

Ambry Genetics
Classification: Uncertain significance for Cardiovascular phenotype. Last evaluated: 2023-05-12. Review status: criteria provided, single submitter. Criteria: Ambry Variant Classification Scheme 2023. Collection method: clinical testing. Allele origin: germline.
Comment: The p.K1434N variant (also known as c.4302G>C), located in coding exon 31 of the DMD gene, results from a G to C substitution at nucleotide position 4302. The lysine at codon 1434 is replaced by asparagine, an amino acid with similar properties. Based on data from gnomAD, the C allele has an overall frequency of 0.0005% (1/182702) total alleles studied, with 1 hemizygote observed. The highest observed frequency was 0.001% (1/81331) of European (non-Finnish) alleles. This amino acid position is highly conserved in available vertebrate species. In addition, this alteration is predicted to be tolerated by in silico analysis. Since supporting evidence is limited at this time, the clinical significance of this alteration remains unclear.

Blueprint Genetics
Classification: Likely benign. Last evaluated: 2017-09-05. Review status: criteria provided, single submitter. Criteria: ACMG Guidelines, 2015. Collection method: clinical testing. Allele origin: germline.

Eurofins Ntd Llc (ga)
Classification: Uncertain significance. Last evaluated: 2016-11-07. Review status: criteria provided, single submitter. Criteria: EGL Classification Definitions 2015. Collection method: clinical testing. Allele origin: germline. Observed: 1 variant allele, 1 heterozygote.

NM_004006.3(DMD):c.4302G>C (p.Lys1434Asn)

Gene: DMD (dystrophin; minus strand). Cytogenetic location: Xp21.1.
Variant type: single nucleotide variant.
Coding change: c.4302G>C on transcript NM_004006.3 (MANE Select); coding-DNA position 4302, G replaced by C.
Protein change: p.Lys1434Asn; replaces lysine 1434 with asparagine.
Molecular consequence: missense variant.
Genome position (GRCh38, 1-based): chrX:32,390,113, C>G on the plus strand (G>C on the coding strand, the complement: DMD is on the minus strand). VCF-style: chrX-32390113-C-G. GRCh37 (hg19) VCF-style: chrX-32408230-C-G.
Other names: c.4278G>C, p.Lys1426Asn (NM_000109.4); c.4290G>C, p.Lys1430Asn (NM_004009.3); c.3933G>C, p.Lys1311Asn (NM_004010.3); c.279G>C, p.Lys93Asn (NM_004011.4); c.270G>C, p.Lys90Asn (NM_004012.4); c.4302G>C (NM_004006.2); short protein forms K1434N, K93N, K1311N, K1426N, K1430N, K90N.
Identifiers: ClinVar variation 497119 (VCV000497119.13), dbSNP rs749556197, ClinGen allele CA10378993.